The following is an entry in ClinVar:

NM_000321.3(RB1):c.2134T>G (p.Cys712Gly)

Gene: RB1 (RB transcriptional corepressor 1; plus strand). Cytogenetic location: 13q14.2.
Variant type: single nucleotide variant.
Coding change: c.2134T>G on transcript NM_000321.3 (MANE Select); coding-DNA position 2134, T replaced by G.
Protein change: p.Cys712Gly; replaces cysteine 712 with glycine.
Molecular consequence: missense variant.
Genome position (GRCh38, 1-based): chr13:48,463,758, T>G. VCF-style: chr13-48463758-T-G. GRCh37 (hg19) VCF-style: chr13-49037894-T-G.
Other names: c.2134T>G (NM_000321.2); short protein forms C712G.
Identifiers: ClinVar variation 1052825 (VCV001052825.11), dbSNP rs137853296, ClinGen allele CA388167063.

ClinVar aggregate classification (germline): Uncertain significance. Review status: criteria provided, multiple submitters, no conflicts (2 of 4 stars). 2 submissions from 2 submitters: Uncertain significance (2). Last evaluated 2024-06-06.

Conditions:
Hereditary cancer-predisposing syndrome. Also called: Tumor predisposition; Hereditary neoplastic syndrome; Hereditary Cancer Syndrome; Neoplastic Syndromes, Hereditary. Identifiers: Orphanet 140162, MedGen C0027672, MeSH D009386, MONDO:0015356.
Retinoblastoma (RB1). Also called: RETINOBLASTOMA, SOMATIC. Identifiers: Orphanet 790, MedGen C0035335, MeSH D012175, MONDO:0008380, OMIM 180200, HP:0009919. Disease mechanism: loss of function. Inheritance: Both sporadic and heritable forms are tested..

Submissions (2):

Ambry Genetics
Classification: Uncertain significance for Hereditary cancer-predisposing syndrome. Last evaluated: 2024-06-06. Review status: criteria provided, single submitter. Criteria: Ambry Variant Classification Scheme 2023. Collection method: clinical testing. Allele origin: germline.
Comment: The p.C712G variant (also known as c.2134T>G), located in coding exon 21 of the RB1 gene, results from a T to G substitution at nucleotide position 2134. The cysteine at codon 712 is replaced by glycine, an amino acid with highly dissimilar properties. This amino acid position is highly conserved in available vertebrate species. In addition, this alteration is predicted to be deleterious by in silico analysis. Based on the available evidence, the clinical significance of this variant remains unclear.

Labcorp Genetics (formerly Invitae), Labcorp
Classification: Uncertain significance for Retinoblastoma. Last evaluated: 2022-03-07. Review status: criteria provided, single submitter. Criteria: Invitae Variant Classification Sherloc (09022015). Collection method: clinical testing. Allele origin: germline.
Comment: Algorithms developed to predict the effect of sequence changes on RNA splicing suggest that this variant may create or strengthen a splice site. In summary, the available evidence is currently insufficient to determine the role of this variant in disease. Therefore, it has been classified as a Variant of Uncertain Significance. This variant disrupts the p.Cys712 amino acid residue in RB1. Other variant(s) that disrupt this residue have been determined to be pathogenic (PMID: 9671401, 10671068, 11668642, 22084214). This suggests that this residue is clinically significant, and that variants that disrupt this residue are likely to be disease-causing. Algorithms developed to predict the effect of missense changes on protein structure and function (SIFT, PolyPhen-2, Align-GVGD) all suggest that this variant is likely to be disruptive. ClinVar contains an entry for this variant (Variation ID: 1052825). This variant has not been reported in the literature in individuals affected with RB1-related conditions. This variant is not present in population databases (gnomAD no frequency). This sequence change replaces cysteine, which is neutral and slightly polar, with glycine, which is neutral and non-polar, at codon 712 of the RB1 protein (p.Cys712Gly).

Literature cited by the submitters: PubMed 9671401 (cited by Labcorp Genetics (formerly Invitae), Labcorp); PubMed 10671068 (cited by Labcorp Genetics (formerly Invitae), Labcorp); PubMed 11668642 (cited by Labcorp Genetics (formerly Invitae), Labcorp); PubMed 22084214 (cited by Labcorp Genetics (formerly Invitae), Labcorp).